The following is an entry in ClinVar:

NM_022370.4(ROBO3):c.488-14A>C

Gene: ROBO3 (roundabout guidance receptor 3; plus strand). Cytogenetic location: 11q24.2.
Variant type: single nucleotide variant.
Coding change: c.488-14A>C on transcript NM_022370.4 (MANE Select); 14 bases into the intron before coding-DNA position 488, A replaced by C.
Molecular consequence: intron variant.
Genome position (GRCh38, 1-based): chr11:124,869,436, A>C. VCF-style: chr11-124869436-A-C. GRCh37 (hg19) VCF-style: chr11-124739332-A-C.
Identifiers: ClinVar variation 303222 (VCV000303222.9), dbSNP rs11219820, ClinGen allele CA6343200.

ClinVar aggregate classification (germline): Benign/Likely benign. Review status: criteria provided, multiple submitters, no conflicts (2 of 4 stars). 4 submissions from 4 submitters: Benign (3); Likely benign (1). Last evaluated 2024-11-27.

Conditions:
Gaze palsy, familial horizontal, with progressive scoliosis 1 (HGPPS1). Identifiers: Orphanet 2744, MedGen C4551964, MONDO:0020790, OMIM 607313.

Allele frequency attached by ClinVar (database versions not stated): 1000 Genomes Project 0.19609; ESP Exome Variant Server 0.26947; ExAC 0.45391; TOPMed 0.58060.
gnomAD v4.1: 571,545 of 1,135,930 alleles (50%); highest among the groups gnomAD compares: African/African-American, 67%; 177,320 homozygotes.

Submissions (4):

Blueprint Genetics
Classification: Likely benign. Last evaluated: 2024-11-27. Review status: criteria provided, single submitter. Criteria: ACMG Guidelines, 2015. Collection method: clinical testing. Allele origin: germline.

Genome-Nilou Lab
Classification: Benign for Gaze palsy, familial horizontal, with progressive scoliosis 1. Last evaluated: 2021-11-07. Review status: criteria provided, single submitter. Criteria: ACMG Guidelines, 2015. Collection method: clinical testing. Allele origin: germline. Affected: no.

Illumina Laboratory Services, Illumina
Classification: Benign for Gaze palsy, familial horizontal, with progressive scoliosis 1. Last evaluated: 2018-01-13. Review status: criteria provided, single submitter. Criteria: ICSL Variant Classification Criteria 13 December 2019. Collection method: clinical testing. Allele origin: germline.
Comment: This variant was observed in the ICSL laboratory as part of a predisposition screen in an ostensibly healthy population. It had not been previously curated by ICSL or reported in the Human Gene Mutation Database (HGMD: prior to June 1st, 2018), and was therefore a candidate for classification through an automated scoring system. Utilizing variant allele frequency, disease prevalence and penetrance estimates, and inheritance mode, an automated score was calculated to assess if this variant is too frequent to cause the disease. Based on the score and internal cut-off values, a variant classified as benign is not then subjected to further curation. The score for this variant resulted in a classification of benign for this disease.

Breakthrough Genomics
Classification: Benign. Review status: criteria provided, single submitter. Criteria: ACMG Guidelines, 2015. Collection method: not provided. Allele origin: germline. Inheritance: Autosomal recessive inheritance. Affected: yes.